The following is an entry in ClinVar:

NM_201384.3(PLEC):c.767C>T (p.Ser256Leu)

Gene: PLEC (plectin; minus strand). Cytogenetic location: 8q24.3.
Variant type: single nucleotide variant.
Coding change: c.767C>T on transcript NM_201384.3 (MANE Select); coding-DNA position 767, C replaced by T.
Protein change: p.Ser256Leu; replaces serine 256 with leucine.
Molecular consequence: missense variant.
Genome position (GRCh38, 1-based): chr8:143,935,069, G>A on the plus strand (C>T on the coding strand, the complement: PLEC is on the minus strand). VCF-style: chr8-143935069-G-A. GRCh37 (hg19) VCF-style: chr8-145009237-G-A.
Other names: c.848C>T, p.Ser283Leu (NM_000445.5, NM_001410941.1); c.725C>T, p.Ser242Leu (NM_201378.4); c.701C>T, p.Ser234Leu (NM_201379.3); c.1178C>T, p.Ser393Leu (NM_201380.4); c.671C>T, p.Ser224Leu (NM_201381.3); c.767C>T, p.Ser256Leu (NM_201382.4); c.779C>T, p.Ser260Leu (NM_201383.3); c.848C>T (NM_000445.4); short protein forms S260L, S393L, S224L, S242L, S283L, S234L, S256L.
Identifiers: ClinVar variation 1903128 (VCV001903128.6), dbSNP rs782798891, ClinGen allele CA4928323.

ClinVar aggregate classification (germline): Uncertain significance. Review status: criteria provided, multiple submitters, no conflicts (2 of 4 stars). 2 submissions from 2 submitters: Uncertain significance (2). Last evaluated 2026-07-05.

Conditions:
PLEC-related disorder. Also called: PLEC-related condition; PLEC-related disorders.
Epidermolysis bullosa simplex 5C, with pyloric atresia (EBS5C). Also called: PLEC-Related Epidermolysis Bullosa with Pyloric Atresia; Epidermolysis bullosa simplex with pyloric atresia; PLEC1-Related Epidermolysis Bullosa with Pyloric Atresia. Identifiers: Orphanet 158684, MedGen C2677349, MONDO:0012807, OMIM 612138.
Autosomal recessive limb-girdle muscular dystrophy type 2Q (LGMDR17). Also called: MUSCULAR DYSTROPHY, LIMB-GIRDLE, AUTOSOMAL RECESSIVE 17. Identifiers: Orphanet 254361, MedGen C3150989, MONDO:0013390, OMIM 613723.
Epidermolysis bullosa simplex with nail dystrophy (EBS5D). Identifiers: MedGen C4225309, MONDO:0014661, OMIM 616487.
Epidermolysis bullosa simplex, Ogna type (EBS5A). Also called: Pidermolysis bullosa simplex 5A, Ogna type; EPIDERMOLYSIS BULLOSA SIMPLEX 5A, OGNA TYPE. Identifiers: Orphanet 79401, MedGen C0432317, MONDO:0007555, OMIM 131950.
Epidermolysis bullosa simplex 5B, with muscular dystrophy (EBS5B). Also called: EPIDERMOLYSIS BULLOSA SIMPLEX AND LIMB-GIRDLE MUSCULAR DYSTROPHY; Epidermolysis bullosa simplex with muscular dystrophy. Identifiers: Orphanet 257, MedGen C2931072, MONDO:0009181, OMIM 226670.

Allele frequency attached by ClinVar (database versions not stated): gnomAD exomes below 0.00001; ExAC 0.00001; TOPMed 0.00002; gnomAD 0.00003.
gnomAD v4.1: 6 of 1,612,808 alleles (0.00037%); highest among the groups gnomAD compares: African/African-American, 0.004%; no homozygotes.

Submissions (2):

PreventionGenetics, part of Exact Sciences
Classification: Uncertain significance for PLEC-related condition. Last evaluated: 2026-07-05. Review status: criteria provided, single submitter. Criteria: ACMG Guidelines, 2015. Collection method: clinical testing. Allele origin: germline.
Comment: The PLEC c.848C>T variant is predicted to result in the amino acid substitution p.Ser283Leu. To our knowledge, this variant has not been reported in the literature. This variant is reported in 0.013% of alleles in individuals of African descent in gnomAD. At this time, the clinical significance of this variant is uncertain due to the absence of conclusive functional and genetic evidence.

Labcorp Genetics (formerly Invitae), Labcorp
Classification: Uncertain significance for Autosomal recessive limb-girdle muscular dystrophy type 2Q; Epidermolysis bullosa simplex, Ogna type; Epidermolysis bullosa simplex with nail dystrophy; Epidermolysis bullosa simplex 5C, with pyloric atresia; Epidermolysis bullosa simplex 5B, with muscular dystrophy. Last evaluated: 2024-10-07. Review status: criteria provided, single submitter. Criteria: Invitae Variant Classification Sherloc (09022015). Collection method: clinical testing. Allele origin: germline.
Comment: This sequence change replaces serine, which is neutral and polar, with leucine, which is neutral and non-polar, at codon 283 of the PLEC protein (p.Ser283Leu). This variant is present in population databases (rs782798891, gnomAD 0.01%). This variant has not been reported in the literature in individuals affected with PLEC-related conditions. ClinVar contains an entry for this variant (Variation ID: 1903128). Experimental studies and prediction algorithms are not available or were not evaluated, and the functional significance of this variant is currently unknown. In summary, the available evidence is currently insufficient to determine the role of this variant in disease. Therefore, it has been classified as a Variant of Uncertain Significance.